The following is an entry in ClinVar:

NM_004738.5(VAPB):c.149G>T (p.Arg50Leu)

Gene: VAPB (VAMP associated protein B and C; plus strand). Cytogenetic location: 20q13.32.
Variant type: single nucleotide variant.
Coding change: c.149G>T on transcript NM_004738.5 (MANE Select); coding-DNA position 149, G replaced by T.
Protein change: p.Arg50Leu; replaces arginine 50 with leucine.
Molecular consequence: missense variant. On other transcripts: non-coding transcript variant (1).
Genome position (GRCh38, 1-based): chr20:58,418,301, G>T. VCF-style: chr20-58418301-G-T. GRCh37 (hg19) VCF-style: chr20-56993357-G-T.
Other names: c.149G>T, p.Arg50Leu (NM_001195677.2); short protein forms R50L.
Identifiers: ClinVar variation 2051565 (VCV002051565.4), dbSNP rs778280109, ClinGen allele CA409442573.

ClinVar aggregate classification (germline): Uncertain significance (1 of 4 stars; one submission).

Conditions:
Amyotrophic lateral sclerosis type 8 (ALS8). Identifiers: Orphanet 803, MedGen C1837728, MONDO:0012077, OMIM 608627.
Adult-onset proximal spinal muscular atrophy, autosomal dominant. Also called: Spinal muscular atrophy, late-onset, finkel type; FINKEL LATE-ADULT TYPE SMA. Identifiers: Orphanet 209335, MedGen C1854058, MONDO:0008453, OMIM 182980.

Submission:

Labcorp Genetics (formerly Invitae), Labcorp
Classification: Uncertain significance for Adult-onset proximal spinal muscular atrophy, autosomal dominant; Amyotrophic lateral sclerosis type 8. Last evaluated: 2022-12-06. Review status: criteria provided, single submitter. Criteria: Invitae Variant Classification Sherloc (09022015). Collection method: clinical testing. Allele origin: germline.
Comment: Advanced modeling of protein sequence and biophysical properties (such as structural, functional, and spatial information, amino acid conservation, physicochemical variation, residue mobility, and thermodynamic stability) performed at Invitae indicates that this missense variant is expected to disrupt VAPB protein function. In summary, the available evidence is currently insufficient to determine the role of this variant in disease. Therefore, it has been classified as a Variant of Uncertain Significance. This variant has not been reported in the literature in individuals affected with VAPB-related conditions. This variant is not present in population databases (gnomAD no frequency). This sequence change replaces arginine, which is basic and polar, with leucine, which is neutral and non-polar, at codon 50 of the VAPB protein (p.Arg50Leu).